The following is an entry in ClinVar:

ClinVar aggregate classification (germline): Uncertain significance (1 of 4 stars; one submission).

Submission:

Labcorp Genetics (formerly Invitae), Labcorp
Classification: Uncertain significance. Last evaluated: 2022-09-19. Review status: criteria provided, single submitter. Criteria: Invitae Variant Classification Sherloc (09022015). Collection method: clinical testing. Allele origin: germline.
Comment: This sequence change falls in intron 39 of the POLE gene. It does not directly change the encoded amino acid sequence of the POLE protein. This variant is not present in population databases (gnomAD no frequency). In summary, the available evidence is currently insufficient to determine the role of this variant in disease. Therefore, it has been classified as a Variant of Uncertain Significance. Algorithms developed to predict the effect of sequence changes on RNA splicing suggest that this variant may disrupt the consensus splice site. This variant has not been reported in the literature in individuals affected with POLE-related conditions.

NM_006231.4(POLE):c.5379-8_5379-3del

Gene: POLE (DNA polymerase epsilon, catalytic subunit; minus strand). Cytogenetic location: 12q24.33.
Variant type: Deletion.
Coding change: c.5379-8_5379-3del on transcript NM_006231.4 (MANE Select); 8 bases into the intron before coding-DNA position 5379 through 3 bases into the intron before coding-DNA position 5379, 6 bases deleted (TCTTTC; older notation c.5379-8_5379-3delTCTTTC).
Molecular consequence: intron variant.
Genome position (GRCh38, 1-based): chr12:132,639,301-132,639,306, GAAAGA deleted on the plus strand (TCTTTC on the coding strand, the reverse complement: POLE is on the minus strand); deleting any 6 consecutive bases within chr12:132,639,301-132,639,309 gives the same sequence; the c. name uses the placement nearest the transcript's 3' end. VCF-style (leftmost placement, unchanged base first): chr12-132639300-TGAAAGA-T. GRCh37 (hg19) VCF-style: chr12-133215886-TGAAAGA-T.
Identifiers: ClinVar variation 2031236 (VCV002031236.4), dbSNP rs2541873488, ClinGen allele CA2580086176.
Genomic context (GRCh38, chr12:132,639,300, plus strand): 5'-AGATGTTGTGGTACTGGGTGATCTCCTTCACCCAGCCCACGACCATGCTCTTCAGGATCC[TGAAAGA>T]GAAGGTGCACGACACCCTCGTACCCTCAGCCTCCCACGCTGCTGCCACGCGGGACGCTCC-3'